The following is an entry in ClinVar:

NM_004260.4(RECQL4):c.338T>G (p.Leu113Arg)

Gene: RECQL4 (RecQ like helicase 4; minus strand). Cytogenetic location: 8q24.3.
Variant type: single nucleotide variant.
Coding change: c.338T>G on transcript NM_004260.4 (MANE Select); coding-DNA position 338, T replaced by G.
Protein change: p.Leu113Arg; replaces leucine 113 with arginine.
Molecular consequence: missense variant.
Genome position (GRCh38, 1-based): chr8:144,517,066, A>C on the plus strand (T>G on the coding strand, the complement: RECQL4 is on the minus strand). VCF-style: chr8-144517066-A-C. GRCh37 (hg19) VCF-style: chr8-145742450-A-C.
Other names: c.338T>G (NM_004260.3); short protein forms L113R.
Identifiers: ClinVar variation 1427318 (VCV001427318.8), dbSNP rs1245684504, ClinGen allele CA372691927.

ClinVar aggregate classification (germline): Uncertain significance. Review status: criteria provided, multiple submitters, no conflicts (2 of 4 stars). 2 submissions from 2 submitters: Uncertain significance (2). Last evaluated 2024-10-02.

Conditions:
Inborn genetic diseases. Identifiers: MedGen C0950123, MeSH D030342.
Baller-Gerold syndrome (BGS). Also called: CRANIOSYNOSTOSIS WITH RADIAL DEFECTS. Identifiers: Orphanet 1225, MedGen C0265308, MONDO:0009039, OMIM 218600.

Submissions (2):

Ambry Genetics
Classification: Uncertain significance for Inborn genetic diseases. Last evaluated: 2024-10-02. Review status: criteria provided, single submitter. Criteria: Ambry Variant Classification Scheme 2023. Collection method: clinical testing. Allele origin: germline.
Comment: The p.L113R variant (also known as c.338T>G), located in coding exon 4 of the RECQL4 gene, results from a T to G substitution at nucleotide position 338. The leucine at codon 113 is replaced by arginine, an amino acid with dissimilar properties. This amino acid position is conserved. In addition, the in silico prediction for this alteration is inconclusive. Based on the available evidence, the clinical significance of this variant remains unclear.

Labcorp Genetics (formerly Invitae), Labcorp
Classification: Uncertain significance for Baller-Gerold syndrome. Last evaluated: 2022-03-06. Review status: criteria provided, single submitter. Criteria: Invitae Variant Classification Sherloc (09022015). Collection method: clinical testing. Allele origin: germline.
Comment: Experimental studies and prediction algorithms are not available or were not evaluated, and the functional significance of this variant is currently unknown. In summary, the available evidence is currently insufficient to determine the role of this variant in disease. Therefore, it has been classified as a Variant of Uncertain Significance. This variant has not been reported in the literature in individuals affected with RECQL4-related conditions. This variant is not present in population databases (gnomAD no frequency). This sequence change replaces leucine, which is neutral and non-polar, with arginine, which is basic and polar, at codon 113 of the RECQL4 protein (p.Leu113Arg).